The following is an entry in ClinVar:

NM_000548.5(TSC2):c.2963G>A (p.Arg988His)

Gene: TSC2 (TSC complex subunit 2; plus strand). Cytogenetic location: 16p13.3.
Variant type: single nucleotide variant.
Coding change: c.2963G>A on transcript NM_000548.5 (MANE Select); coding-DNA position 2963, G replaced by A.
Protein change: p.Arg988His; replaces arginine 988 with histidine.
Molecular consequence: missense variant. On other transcripts: intron variant (9).
Genome position (GRCh38, 1-based): chr16:2,077,723, G>A. VCF-style: chr16-2077723-G-A. GRCh37 (hg19) VCF-style: chr16-2127724-G-A.
Other names: c.2963G>A, p.Arg988His (NM_001114382.3); c.2837+1138G>A (NM_021055.3, NM_001370405.1, NM_001363528.2 and 2 more transcripts); c.2726+1138G>A (NM_001318827.2); c.2237+1138G>A (NM_001318831.2); c.2690+1138G>A (NM_001318829.2); c.2870+1138G>A (NM_001318832.2); c.2963G>A (NM_000548.4); short protein forms R988H.
Identifiers: ClinVar variation 467980 (VCV000467980.17), dbSNP rs397515306, ClinGen allele CA043038.
Genomic context (GRCh38, chr16:2,077,723, plus strand): 5'-AGAGCTCTGCAGCCGAGGCCTTCCGGTGCCGCAGCATCAGTGTGTCTGAACATGTGGTCC[G>A]CAGGTAGCGGGACTGTCGGGTGGGGGGCACGGACCCTGGAGCTTGGCCCCGTGAGCACCT-3'
Protein context (NP_000539.2, residues 978-998): RSISVSEHVV[Arg988His]SRIQTSLTSA

ClinVar aggregate classification (germline): Conflicting classifications of pathogenicity. Review status: criteria provided, conflicting classifications (1 of 4 stars). 5 submissions from 5 submitters: Uncertain significance (3); Benign (1). 1 of the submissions does not count toward it. Last evaluated 2026-02-01.

Conditions:
TSC2-related disorder. Also called: TSC2-related condition; TSC2-Related Disorders.
Tuberous sclerosis 2 (TSC2). Identifiers: Orphanet 805, MedGen C1860707, MONDO:0013199, OMIM 613254.
Hereditary cancer-predisposing syndrome. Also called: Hereditary neoplastic syndrome; Neoplastic Syndromes, Hereditary; Tumor predisposition; Hereditary Cancer Syndrome. Identifiers: Orphanet 140162, MedGen C0027672, MeSH D009386, MONDO:0015356.
Tuberous sclerosis syndrome (TSC). Also called: Tuberous Sclerosis Complex; Tuberous sclerosis. Identifiers: Orphanet 805, MedGen C0041341, MONDO:0001734.

Allele frequency attached by ClinVar (database versions not stated): TOPMed 0.00002; ESP Exome Variant Server 0.00008.
gnomAD v4.1: 71 of 1,612,520 alleles (0.0044%); highest among the groups gnomAD compares: Non-Finnish European, 0.005%; no homozygotes.

Submissions (5):

Labcorp Genetics (formerly Invitae), Labcorp
Classification: Benign for Tuberous sclerosis 2. Last evaluated: 2026-02-01. Review status: criteria provided, single submitter. Criteria: Invitae Variant Classification Sherloc (09022015). Collection method: clinical testing. Allele origin: germline.

Color Diagnostics, LLC DBA Color Health
Classification: Uncertain significance for Tuberous sclerosis syndrome. Last evaluated: 2024-04-02. Review status: criteria provided, single submitter. Criteria: ACMG Guidelines, 2015. Collection method: clinical testing. Allele origin: germline.
Comment: This missense variant replaces arginine with histidine at codon 988 of the TSC2 protein. Computational prediction is inconclusive regarding the impact of this variant on protein structure and function. To our knowledge, functional studies have not been reported for this variant. This variant has not been reported in individuals affected with tuberous sclerosis complex in the literature. This variant has been identified in 5/250026 chromosomes in the general population by the Genome Aggregation Database (gnomAD). The available evidence is insufficient to determine the role of this variant in disease conclusively. Therefore, this variant is classified as a Variant of Uncertain Significance.

Ambry Genetics
Classification: Uncertain significance for Hereditary cancer-predisposing syndrome. Last evaluated: 2024-02-20. Review status: criteria provided, single submitter. Criteria: Ambry Variant Classification Scheme 2023. Collection method: clinical testing. Allele origin: germline.
Comment: The p.R988H variant (also known as c.2963G>A), located in coding exon 25 of the TSC2 gene, results from a G to A substitution at nucleotide position 2963. The arginine at codon 988 is replaced by histidine, an amino acid with highly similar properties. This amino acid position is well conserved in available vertebrate species. In addition, the in silico prediction for this alteration is inconclusive. Since supporting evidence is limited at this time, the clinical significance of this alteration remains unclear.

Sema4
Classification: Uncertain significance for Hereditary cancer-predisposing syndrome. Last evaluated: 2021-05-24. Review status: criteria provided, single submitter. Criteria: Sema4 Curation Guidelines. Collection method: curation. Allele origin: germline.
Comment: The TSC2 c.2963G>A (p.R988H) variant has not been reported in the literature to our knowledge. It was observed in 4/112796 chromosomes of the European (non-Finnish) subpopulation in the large and broad cohorts of the Genome Aggregation Database (PMID: 32461654) and has been reported in ClinVar (Variation ID 467980). In silico tools suggest the impact of the variant on protein function is inconclusive, though these predictions have not been confirmed by functional studies. The evidence is insufficient to meet ACMG/AMP criteria for classifying the variant as benign or pathogenic. Thus, the clinical significance of this variant is currently uncertain.

PreventionGenetics, part of Exact Sciences
Classification: Uncertain significance for TSC2-related condition. Last evaluated: 2024-08-06. Review status: no assertion criteria provided. Collection method: clinical testing. Allele origin: germline. Not counted in ClinVar's aggregate classification.
Comment: The TSC2 c.2963G>A variant is predicted to result in the amino acid substitution p.Arg988His. To our knowledge, this variant has not been reported in the literature. This variant is reported in 0.0035% of alleles in individuals of European (Non-Finnish) descent in gnomAD. This variant has conflicting interpretations in ClinVar ranging from uncertain significance to benign. At this time, the clinical significance of this variant is uncertain due to the absence of conclusive functional and genetic evidence.